The following is an entry in ClinVar:

ClinVar aggregate classification (germline): Likely pathogenic (1 of 4 stars; one submission).

Conditions:
KBG syndrome (KBGS). Also called: ANKRD11-Related KBG Syndrome. Identifiers: Orphanet 2332, MedGen C0220687, MONDO:0007846, OMIM 148050.

Submission:

3billion
Classification: Likely pathogenic for KBG syndrome. Last evaluated: 2025-11-20. Review status: criteria provided, single submitter. Criteria: ACMG Guidelines, 2015. Collection method: clinical testing. Allele origin: germline. Affected: yes.
Comment: The variant is not observed in the gnomAD v4.1.0 dataset. Predicted Consequence/Location: Stop-gained (nonsense): predicted to result in a loss or disruption of normal protein function through nonsense-mediated decay (NMD) or protein truncation. Multiple pathogenic variants are reported downstream of the variant. Therefore, this variant is classified as Likely pathogenic according to the recommendation of ACMG/AMP guideline.

NM_013275.6(ANKRD11):c.5918G>A (p.Trp1973Ter)

Gene: ANKRD11 (ankyrin repeat domain 11; minus strand). Cytogenetic location: 16q24.3.
Variant type: single nucleotide variant.
Coding change: c.5918G>A on transcript NM_013275.6 (MANE Select); coding-DNA position 5918, G replaced by A.
Protein change: p.Trp1973Ter; replaces tryptophan 1973 with a stop codon.
Molecular consequence: nonsense.
Genome position (GRCh38, 1-based): chr16:89,280,624, C>T on the plus strand (G>A on the coding strand, the complement: ANKRD11 is on the minus strand). VCF-style: chr16-89280624-C-T. GRCh37 (hg19) VCF-style: chr16-89347032-C-T.
Other names: c.5918G>A, p.Trp1973Ter (NM_001256182.2, NM_001256183.2); short protein forms W1973*.
Identifiers: ClinVar variation 4854157 (VCV004854157.1).